The following is an entry in ClinVar:

NM_001109878.2(TBX22):c.559G>A (p.Glu187Lys)

Gene: TBX22 (T-box transcription factor 22). Cytogenetic location: Xq21.1.
Variant type: single nucleotide variant.
Coding change: c.559G>A on transcript NM_001109878.2 (MANE Select); coding-DNA position 559, G replaced by A.
Protein change: p.Glu187Lys; replaces glutamic acid 187 with lysine.
Molecular consequence: missense variant.
Genome position (GRCh38, 1-based): chrX:80,025,703, G>A. VCF-style: chrX-80025703-G-A. GRCh37 (hg19) VCF-style: chrX-79281202-G-A.
Other names: c.199G>A, p.Glu67Lys (NM_001109879.2, NM_001303475.1); c.559G>A, p.Glu187Lys (NM_016954.2); short protein forms E187K, E67K.
Identifiers: ClinVar variation 368666 (VCV000368666.10), dbSNP rs34244923, ClinGen allele CA10461259.

ClinVar aggregate classification (germline): Benign. Review status: criteria provided, multiple submitters, no conflicts (2 of 4 stars). 4 submissions from 4 submitters: Benign (3). 1 of the submissions does not count toward it. Last evaluated 2021-05-05.

Conditions:
Cleft palate with or without ankyloglossia, X-linked. Identifiers: Orphanet 324601, MedGen C1844830, MONDO:0010560, OMIM 303400.
TBX22-related disorder. Also called: TBX22-related condition.

Allele frequency attached by ClinVar (database versions not stated): 1000 Genomes Project 0.02093; 1000 Genomes Project 30x 0.02123; TOPMed 0.04101; gnomAD 0.04334 and 0.04497; gnomAD exomes 0.04407 and 0.05857; ExAC 0.04458; ESP Exome Variant Server 0.04610.

Submissions (4):

GeneDx
Classification: Benign. Last evaluated: 2021-05-05. Review status: criteria provided, single submitter. Criteria: GeneDx Variant Classification Process June 2021. Collection method: clinical testing. Allele origin: germline. Affected: yes.

Illumina Laboratory Services, Illumina
Classification: Benign for Cleft palate with or without ankyloglossia, X-linked. Last evaluated: 2018-01-12. Review status: criteria provided, single submitter. Criteria: ICSL Variant Classification Criteria 13 December 2019. Collection method: clinical testing. Allele origin: germline.
Comment: This variant was observed in the ICSL laboratory as part of a predisposition screen in an ostensibly healthy population. It had not been previously curated by ICSL or reported in the Human Gene Mutation Database (HGMD: prior to June 1st, 2018), and was therefore a candidate for classification through an automated scoring system. Utilizing variant allele frequency, disease prevalence and penetrance estimates, and inheritance mode, an automated score was calculated to assess if this variant is too frequent to cause the disease. Based on the score and internal cut-off values, a variant classified as benign is not then subjected to further curation. The score for this variant resulted in a classification of benign for this disease.

Breakthrough Genomics
Classification: Benign. Review status: criteria provided, single submitter. Criteria: ACMG Guidelines, 2015. Collection method: not provided. Allele origin: germline. Inheritance: X-linked inheritance. Affected: yes.

PreventionGenetics, part of Exact Sciences
Classification: Benign for TBX22-related condition. Last evaluated: 2019-08-08. Review status: no assertion criteria provided. Collection method: clinical testing. Allele origin: germline. Not counted in ClinVar's aggregate classification.
Comment: This variant is classified as benign based on ACMG/AMP sequence variant interpretation guidelines (Richards et al. 2015 PMID: 25741868, with internal and published modifications).